The following is an entry in ClinVar:

NM_206933.4(USH2A):c.3052A>C (p.Thr1018Pro)

Genes: USH2A (usherin; minus strand), USH2A-AS1 (USH2A antisense RNA 1; plus strand). Cytogenetic location: 1q41.
Variant type: single nucleotide variant.
Coding change: c.3052A>C on transcript NM_206933.4 (MANE Select); coding-DNA position 3052, A replaced by C.
Protein change: p.Thr1018Pro; replaces threonine 1018 with proline.
Molecular consequence: missense variant.
Genome position (GRCh38, 1-based): chr1:216,217,492, T>G on the plus strand (A>C on the coding strand, the complement: USH2A is on the minus strand). VCF-style: chr1-216217492-T-G. GRCh37 (hg19) VCF-style: chr1-216390834-T-G.
Other names: c.3052A>C, p.Thr1018Pro (NM_007123.6); short protein forms T1018P.
Identifiers: ClinVar variation 1054769 (VCV001054769.6), dbSNP rs2102496402, ClinGen allele CA344862901.

ClinVar aggregate classification (germline): Uncertain significance (1 of 4 stars; one submission).

Submission:

Labcorp Genetics (formerly Invitae), Labcorp
Classification: Uncertain significance. Last evaluated: 2022-02-10. Review status: criteria provided, single submitter. Criteria: Invitae Variant Classification Sherloc (09022015). Collection method: clinical testing. Allele origin: germline.
Comment: This sequence change replaces threonine, which is neutral and polar, with proline, which is neutral and non-polar, at codon 1018 of the USH2A protein (p.Thr1018Pro). This variant is not present in population databases (gnomAD no frequency). This variant has not been reported in the literature in individuals affected with USH2A-related conditions. ClinVar contains an entry for this variant (Variation ID: 1054769). Algorithms developed to predict the effect of missense changes on protein structure and function are either unavailable or do not agree on the potential impact of this missense change (SIFT: "Deleterious"; PolyPhen-2: "Probably Damaging"; Align-GVGD: "Class C0"). In summary, the available evidence is currently insufficient to determine the role of this variant in disease. Therefore, it has been classified as a Variant of Uncertain Significance.